The following is an entry in ClinVar:

NC_000002.11:g.(?_47596645)_(47596730_?)dup

Gene: EPCAM (epithelial cell adhesion molecule; plus strand). Cytogenetic location: 2p21.
Variant type: Duplication.
Identifiers: ClinVar variation 1003537 (VCV001003537.2).

ClinVar aggregate classification (germline): Uncertain significance (1 of 4 stars; one submission).

Conditions:
Hereditary nonpolyposis colorectal neoplasms. Identifiers: MedGen C0009405, MeSH D003123.

Submission:

Labcorp Genetics (formerly Invitae), Labcorp
Classification: Uncertain significance for Hereditary nonpolyposis colorectal neoplasms. Last evaluated: 2022-10-15. Review status: criteria provided, single submitter. Criteria: Invitae Variant Classification Sherloc (09022015). Collection method: clinical testing. Allele origin: germline.
Comment: This variant results in a copy number gain of the genomic region encompassing exon(s) 1 of the EPCAM gene. This region includes the initiator codon of the gene. This copy number gain extends beyond the assayed region for this gene and therefore may encompass additional genes. As the precise location of this event is unknown, it may be in tandem or it may be located elsewhere in the genome. This variant has not been reported in the literature in individuals affected with EPCAM-related conditions. Experimental studies and prediction algorithms are not available or were not evaluated, and the functional significance of this variant is currently unknown. In summary, the available evidence is currently insufficient to determine the role of this variant in disease. Therefore, it has been classified as a Variant of Uncertain Significance.